The following is an entry in ClinVar:

NM_177438.3(DICER1):c.2953del (p.Gln985fs)

Gene: DICER1 (dicer 1, ribonuclease III; minus strand). Cytogenetic location: 14q32.13.
Variant type: Deletion.
Coding change: c.2953del on transcript NM_177438.3 (MANE Select); coding-DNA position 2953, one base deleted (C; older notation c.2953delC).
Protein change: p.Gln985fs; shifts the reading frame from glutamine 985.
Molecular consequence: frameshift variant.
Genome position (GRCh38, 1-based): chr14:95,106,075, G deleted on the plus strand (C on the coding strand, the reverse complement: DICER1 is on the minus strand); the first of 2 consecutive G bases (chr14:95,106,075-95,106,076); deleting either gives the same sequence. VCF-style (leftmost placement, unchanged base first): chr14-95106074-TG-T. GRCh37 (hg19) VCF-style: chr14-95572411-TG-T.
Other names: c.2953delC (NM_177438.2); c.2953del, p.Gln985fs (NM_001195573.1, NM_001271282.3, NM_001291628.2 and 1 more transcripts); short protein forms Q985fs.
Identifiers: ClinVar variation 412122 (VCV000412122.8), dbSNP rs1060503627, ClinGen allele CA16614657.

ClinVar aggregate classification (germline): Pathogenic (1 of 4 stars; one submission).

Conditions:
DICER1-related tumor predisposition. Also called: DICER1-related pleuropulmonary blastoma cancer predisposition syndrome; DICER1 syndrome. Identifiers: Orphanet 284343, MedGen C3839822, MONDO:0100216.

Submission:

Labcorp Genetics (formerly Invitae), Labcorp
Classification: Pathogenic for DICER1-related tumor predisposition. Last evaluated: 2016-08-25. Review status: criteria provided, single submitter. Criteria: Invitae Variant Classification Sherloc (09022015). Collection method: clinical testing. Allele origin: germline.
Comment: For these reasons, this variant has been classified as Pathogenic. While this particular variant has not been reported in the literature, truncating variants in DICER1 are known to be pathogenic (PMID: 19556464, 21266384). This sequence change deletes 1 nucleotide from exon 18 of the DICER1 mRNA (c.2953delC), causing a frameshift at codon 985. This creates a premature translational stop signal (p.Gln985Serfs*16) and is expected to result in an absent or disrupted protein product.

Literature cited by the submitters: PubMed 19556464; PubMed 21266384.